The following is an entry in ClinVar:

ClinVar aggregate classification (germline): Likely pathogenic (1 of 4 stars; one submission).

Conditions:
Khan-Khan-Katsanis syndrome. Also called: 3K SYNDROME. Identifiers: MedGen C5193110, MONDO:0032764, OMIM 618460.

Allele frequency attached by ClinVar (database versions not stated): TOPMed below 0.00001.
gnomAD v4.1: 2 of 1,613,972 alleles (0.00012%); highest among the groups gnomAD compares: Non-Finnish European, 0.00017%; no homozygotes.

Submission:

Victorian Clinical Genetics Services, Murdoch Childrens Research Institute
Classification: Likely pathogenic for Khan-Khan-Katsanis syndrome. Last evaluated: 2020-05-26. Review status: criteria provided, single submitter. Criteria: ACMG Guidelines, 2015. Collection method: clinical testing. Allele origin: germline. Inheritance: Autosomal recessive inheritance. Affected: yes.
Comment: Based on the classification scheme VCGS_Germline_v1.1.1, this variant is classified as likely pathogenic. Following criteria are met: 0102 - Loss-of-function is a known mechanism of disease for this gene. (N) 0106 - This gene is known to be associated with autosomal recessive disease. (N) 0201 - Variant is predicted to cause nonsense-mediated decay (NMD) and loss of protein (exon 3 of 28). (P) 0251 - Variant is heterozygous. (N) 0301 - Variant is absent from gnomAD. (P) 0705 - No comparable variants have previous evidence for pathogenicity. (N) 0807 - Variant has not previously been reported in a clinical context. (N) 0905 - No segregation evidence has been identified for this variant. (N) 1007 - No published functional evidence has been identified for this variant. (N) 1208 - Inheritance information for this variant is not currently available. (N) Legend: (P) - Pathogenic, (N) - Neutral, (B) - Benign

NM_017760.7(NCAPG2):c.125T>A (p.Leu42Ter)

Gene: NCAPG2 (non-SMC condensin II complex subunit G2; minus strand). Cytogenetic location: 7q36.3.
Variant type: single nucleotide variant.
Coding change: c.125T>A on transcript NM_017760.7 (MANE Select); coding-DNA position 125, T replaced by A.
Protein change: p.Leu42Ter; replaces leucine 42 with a stop codon.
Molecular consequence: nonsense. On other transcripts: non-coding transcript variant (1).
Genome position (GRCh38, 1-based): chr7:158,693,451, A>T on the plus strand (T>A on the coding strand, the complement: NCAPG2 is on the minus strand). VCF-style: chr7-158693451-A-T. GRCh37 (hg19) VCF-style: chr7-158486143-A-T.
Other names: c.125T>A, p.Leu42Ter (NM_001281932.2, NM_001281933.2); short protein forms L42*.
Identifiers: ClinVar variation 1806300 (VCV001806300.1), dbSNP rs1835253194, ClinGen allele CA370192405.
Genomic context (GRCh38, chr7:158,693,451, plus strand): 5'-AACACATCTGTCAATAAATTCTTCAGCCTTTGCCATAATTCTTCTTTCTGTTTCCTTGAT[A>T]ATTCATCTAGTAATTCATTTAGGCTGAAAGGATCAGAGGCCTCTTTCTGTAACATAAATA-3'